The following is an entry in ClinVar:

NM_004369.4(COL6A3):c.6662A>T (p.Glu2221Val)

Gene: COL6A3 (collagen type VI alpha 3 chain; minus strand). Cytogenetic location: 2q37.3.
Variant type: single nucleotide variant.
Coding change: c.6662A>T on transcript NM_004369.4 (MANE Select); coding-DNA position 6662, A replaced by T.
Protein change: p.Glu2221Val; replaces glutamic acid 2221 with valine.
Molecular consequence: missense variant.
Genome position (GRCh38, 1-based): chr2:237,353,369, T>A on the plus strand (A>T on the coding strand, the complement: COL6A3 is on the minus strand). VCF-style: chr2-237353369-T-A. GRCh37 (hg19) VCF-style: chr2-238262012-T-A.
Other names: c.4841A>T, p.Glu1614Val (NM_057166.5); c.6044A>T, p.Glu2015Val (NM_057167.4); short protein forms E2015V, E2221V, E1614V.
Identifiers: ClinVar variation 1400570 (VCV001400570.6), dbSNP rs2106334478, ClinGen allele CA351212457.

ClinVar aggregate classification (germline): Uncertain significance (1 of 4 stars; one submission).

Conditions:
Bethlem myopathy 1A. Also called: Bethlem myopathy 1; Bethlem Muscular Dystrophy; MYOPATHY, BENIGN CONGENITAL, WITH CONTRACTURES. Identifiers: Orphanet 610, MedGen CN029274, MONDO:0024530, OMIM 158810.

Allele frequency attached by ClinVar (database versions not stated): gnomAD exomes below 0.00001.
gnomAD v4.1: 1 of 1,614,152 alleles (0.000062%); highest among the groups gnomAD compares: Admixed American, 0.0017%; no homozygotes.

Submission:

Labcorp Genetics (formerly Invitae), Labcorp
Classification: Uncertain significance for Bethlem myopathy 1A. Last evaluated: 2022-09-19. Review status: criteria provided, single submitter. Criteria: Invitae Variant Classification Sherloc (09022015). Collection method: clinical testing. Allele origin: germline.
Comment: This variant is not present in population databases (gnomAD no frequency). This variant has not been reported in the literature in individuals affected with COL6A3-related conditions. ClinVar contains an entry for this variant (Variation ID: 1400570). Advanced modeling of protein sequence and biophysical properties (such as structural, functional, and spatial information, amino acid conservation, physicochemical variation, residue mobility, and thermodynamic stability) performed at Invitae indicates that this missense variant is not expected to disrupt COL6A3 protein function. In summary, the available evidence is currently insufficient to determine the role of this variant in disease. Therefore, it has been classified as a Variant of Uncertain Significance. This sequence change replaces glutamic acid, which is acidic and polar, with valine, which is neutral and non-polar, at codon 2221 of the COL6A3 protein (p.Glu2221Val).